The following is an entry in ClinVar:

ClinVar aggregate classification (germline): Conflicting classifications of pathogenicity. Review status: criteria provided, conflicting classifications (1 of 4 stars). 6 submissions from 6 submitters: Pathogenic (1); Likely pathogenic (2); Uncertain significance (3). Last evaluated 2025-12-15.

Conditions:
Thrombophilia, X-linked, due to factor 8 defect. Also called: Thrombophilia 13, X-linked, due to factor VIII defect; THROMBOPHILIA, X-LINKED, DUE TO FACTOR VIII DEFECT. Identifiers: MedGen C5676879, MONDO:0859082, OMIM 301071.
Hereditary factor VIII deficiency disease (HEMA). Also called: HEMOPHILIA, CLASSIC; Hemophilia A; AUTOSOMAL HEMOPHILIA A; Hemophilia A, congenital; HEM A; Factor 8 deficiency, congenital. Identifiers: Orphanet 98878, MedGen C0019069, MONDO:0010602, OMIM 306700.

Allele frequency attached by ClinVar (database versions not stated): gnomAD 0.00003; gnomAD exomes 0.00001 and 0.00002; ExAC 0.00001; TOPMed 0.00006.
gnomAD v4.1: 11 of 1,208,909 alleles (0.00091%); highest among the groups gnomAD compares: Admixed American, 0.011%; no homozygotes.

Submissions (6):

Dasa
Classification: Uncertain significance. Last evaluated: 2025-12-15. Review status: criteria provided, single submitter. Criteria: DASA Assertion Criteria. Collection method: clinical testing. Allele origin: germline.
Comment: NM_000132.4(F8):c.5144G>A (p.Arg1715Gln) is a missense variant that results in the substitution of arginine with glutamine. The affected residue or protein region has prior evidence supporting clinical relevance. This variant has been reported in individuals with F8-related disorders (PMID: 21645180). This classification is supported by population frequency inconsistent with a disease-causing role. Computational prediction algorithms are consistent with a deleterious effect. The currently available literature and clinical evidence are not sufficient to establish a definitive association between this variant and the reported condition. Therefore, this variant is classified as a variant of uncertain significance.

GeneDx
Classification: Uncertain significance. Last evaluated: 2025-07-01. Review status: criteria provided, single submitter. Criteria: GeneDx Variant Classification Process June 2021. Collection method: clinical testing. Allele origin: germline. Affected: yes.
Comment: In silico analysis supports that this missense variant has a deleterious effect on protein structure/function; Also known as Arg1696Gln; This variant is associated with the following publications: (PMID: 19473423, 21645180, 15921397, 37647632, 28748566)

Women's Health and Genetics/Laboratory Corporation of America, LabCorp
Classification: Uncertain significance. Last evaluated: 2025-05-12. Review status: criteria provided, single submitter. Criteria: LabCorp Variant Classification Summary - May 2015. Collection method: clinical testing. Allele origin: germline.
Comment: Variant summary: F8 c.5144G>A (p.Arg1715Gln) results in a conservative amino acid change in the encoded protein sequence. Algorithms developed to predict the effect of missense changes on protein structure and function are either unavailable or do not agree on the potential impact of this missense change. The variant allele was found at a frequency of 2.2e-05 in 180241 control chromosomes. c.5144G>A has been reported in the literature in individuals affected with Factor VIII Deficiency (Fernandez-Lopez_2005, Silva Pinto_2012, Leinoe_2017). These data indicate that the variant may be associated with disease. To our knowledge, no experimental evidence demonstrating an impact on protein function has been reported. The following publications have been ascertained in the context of this evaluation (PMID: 15921397, 21645180, 28748566). ClinVar contains an entry for this variant (Variation ID: 1685790). Based on the evidence outlined above, the variant was classified as VUS-possibly pathogenic.

ARUP Laboratories, Molecular Genetics and Genomics, ARUP Laboratories
Classification: Likely pathogenic. Last evaluated: 2023-06-28. Review status: criteria provided, single submitter. Criteria: ARUP Molecular Germline Variant Investigation Process 2024. Collection method: clinical testing. Allele origin: germline.
Comment: The F8 c.5144G>A; p.Arg1715Gln variant (rs781876217), also known as Arg1696Gln, is reported in the literature in individuals affected with mild hemophilia A (Fernandez-Lopez 2005, Markoff 2009, see link to F8 database and references therein). This variant is also reported in ClinVar (Variation ID: 1685790), and is found in the Latino/Admixed American population with an allele frequency of 0.015% (4/26827 alleles) in the Genome Aggregation Database. Computational analyses predict that this variant is deleterious (REVEL: 0.850). Additionally, other variants at this codon (c.5143C>G; p.Arg1715Gly; c.5144G>C, p.Arg1715Pro) have been reported in individuals with mild or moderate hemophilia A (David 2006, Johnsen 2017, Markoff 2009, see link to F8 database). Based on available information, the p.Arg1715Gln variant is considered to be likely pathogenic. References: Link to F8 Database: David D et al. The spectrum of mutations and molecular pathogenesis of hemophilia A in 181 Portuguese patients. Haematologica. 2006 Jun;91(6):840-3. PMID: 16769589. Fernandez-Lopez O et al. The spectrum of mutations in Southern Spanish patients with hemophilia A and identification of 28 novel mutations. Haematologica. 2005 May;90(5):707-10. PMID: 15921397. Johnsen JM et al. Novel approach to genetic analysis and results in 3000 hemophilia patients enrolled in the My Life, Our Future initiative. Blood Adv. 2017 May 18;1(13):824-834. PMID: 29296726. Markoff A et al. Combined homology modelling and evolutionary significance evaluation of missense mutations in blood clotting factor VIII to highlight aspects of structure and function. Haemophilia. 2009 Jul;15(4):932-41. PMID: 19473423.

Laboratory for Molecular Medicine, Mass General Brigham Personalized Medicine
Classification: Likely pathogenic for Hereditary factor VIII deficiency disease. Last evaluated: 2023-02-02. Review status: criteria provided, single submitter. Criteria: ACMG Guidelines, 2015. Collection method: clinical testing. Allele origin: germline.
Comment: The p.Arg1715Gln variant in F8 has been reported in 2 individuals with hemophilia (Fernández-López 2005 PMID: 15921397, Markoff 2009 PMID: 19473423), and was absent in large population databases. The variant has been reported in ClinVar (Variation ID 1685790). Computational prediction tools and conservation analyses suggest that this variant may impact the protein, though this information is not predictive enough to determine pathogenicity. Additional variants involving this codon (p.Arg1715Gly, p.Arg1715Pro) have been identified in an individual with hemophilia (Reiner 1992 PMID: 1349567). In summary, although additional studies are required to fully establish its clinical significance, this variant meets criteria to be classified as likely pathogenic for X-linked recessive hemophilia. ACMG/AMP criteria applied: PM5, PS4_Supporting, PM2_Supporting, PP3, PP4.

Mendelics
Classification: Pathogenic for Thrombophilia, X-linked, due to factor 8 defect. Last evaluated: 2022-05-04. Review status: criteria provided, single submitter. Criteria: Mendelics Assertion Criteria 2019. Collection method: clinical testing. Allele origin: germline.

Literature cited by the submitters: PubMed 21645180 (cited by Dasa and Women's Health and Genetics/Laboratory Corporation of America, LabCorp); PubMed 15921397 (cited by Dasa and Women's Health and Genetics/Laboratory Corporation of America, LabCorp); PubMed 19473423 (cited by Dasa); PubMed 28748566 (cited by Women's Health and Genetics/Laboratory Corporation of America, LabCorp).

NM_000132.4(F8):c.5144G>A (p.Arg1715Gln)

Gene: F8 (coagulation factor VIII; minus strand). Cytogenetic location: Xq28.
Variant type: single nucleotide variant.
Coding change: c.5144G>A on transcript NM_000132.4 (MANE Select); coding-DNA position 5144, G replaced by A.
Protein change: p.Arg1715Gln; replaces arginine 1715 with glutamine.
Molecular consequence: missense variant.
Genome position (GRCh38, 1-based): chrX:154,928,646, C>T on the plus strand (G>A on the coding strand, the complement: F8 is on the minus strand). VCF-style: chrX-154928646-C-T. GRCh37 (hg19) VCF-style: chrX-154156921-C-T.
Other names: c.5144G>A (NM_000132.3); short protein forms R1715Q.
Identifiers: ClinVar variation 1685790 (VCV001685790.8), dbSNP rs781876217, ClinGen allele CA10568033.